The following is an entry in ClinVar:

NM_001127222.2(CACNA1A):c.2164_2172+6del

Gene: CACNA1A (calcium voltage-gated channel subunit alpha1 A; minus strand). Cytogenetic location: 19p13.13.
Variant type: Deletion.
Coding change: c.2164_2172+6del on transcript NM_001127222.2 (MANE Select); coding-DNA position 2164 through 6 bases into the intron after coding-DNA position 2172, 15 bases deleted (CTCACCAAGGTGGAG).
Molecular consequence: splice donor variant. On other transcripts: inframe deletion (2).
Genome position (GRCh38, 1-based): chr19:13,303,540-13,303,554, CTCCACCTTGGTGAG deleted on the plus strand (CTCACCAAGGTGGAG on the coding strand, the reverse complement: CACNA1A is on the minus strand); deleting any 15 consecutive bases within chr19:13,303,540-13,303,558 gives the same sequence; the c. name uses the placement nearest the transcript's 3' end. VCF-style (leftmost placement, unchanged base first): chr19-13303539-CCTCCACCTTGGTGAG-C. GRCh37 (hg19) VCF-style: chr19-13414353-CCTCCACCTTGGTGAG-C.
Other names: c.2167_2181del, p.Leu723_Glu727del (NM_000068.4, NM_023035.3); c.2167_2175+6del (NM_001127221.2, NM_001174080.2); c.2167_2175+6del15 (NM_001127221.1).
Identifiers: ClinVar variation 4813372 (VCV004813372.2).

ClinVar aggregate classification (germline): Pathogenic/Likely pathogenic. Review status: criteria provided, multiple submitters, no conflicts (2 of 4 stars). 2 submissions from 2 submitters: Pathogenic (1); Likely pathogenic (1). Last evaluated 2026-03-19.

Conditions:
Inborn genetic diseases. Identifiers: MedGen C0950123, MeSH D030342.

Submissions (2):

Ambry Genetics
Classification: Likely pathogenic for Inborn genetic diseases. Last evaluated: 2026-03-19. Review status: criteria provided, single submitter. Criteria: Ambry Variant Classification Scheme 2023. Collection method: clinical testing. Allele origin: germline.
Comment: The c.2167_2175+6del15 alteration is located in between exon 17 and intron 17 of the CACNA1A gene. This alteration consists of a deletion of 15 nucleotides between nucleotide positions c.2167 and c.2175+6. Variants that disrupt the canonical splice site are expected to cause aberrant splicing, resulting in an abnormal protein or a transcript that is subject to nonsense-mediated mRNA decay. for CACNA1A-related neurologic disorder; however, it is unlikely to be causative of CACNA1A-related spinocerebellar ataxia This variant was not reported in population-based cohorts in the Genome Aggregation Database (gnomAD). These nucleotide positions are well conserved in available vertebrate species. In silico splice site analysis predicts that this alteration may weaken the native splice donor site. Based on the available evidence, this alteration is classified as likely pathogenic.

GeneDx
Classification: Pathogenic. Last evaluated: 2026-03-14. Review status: criteria provided, single submitter. Criteria: GeneDx Variant Classification Process June 2021. Collection method: clinical testing. Allele origin: germline. Affected: yes.
Comment: Canonical splice site variant predicted to result in a null allele in a gene for which loss of function is a known mechanism of disease; Not observed at significant frequency in large population cohorts (gnomAD); Has not been previously published as pathogenic or benign to our knowledge